The following is an entry in ClinVar:

ClinVar aggregate classification (germline): Likely benign (1 of 4 stars; one submission).

Submission:

CeGaT Center for Human Genetics Tuebingen
Classification: Likely benign. Last evaluated: 2023-03-01. Review status: criteria provided, single submitter. Criteria: CeGaT Center For Human Genetics Tuebingen Variant Classification Criteria Version 2. Collection method: clinical testing. Allele origin: germline. Affected: yes. Observed: 1 variant allele.
Comment: MAGEC1: BP4, BS2

NM_005462.5(MAGEC1):c.767C>G (p.Thr256Ser)

Gene: MAGEC1 (MAGE family member C1; plus strand). Cytogenetic location: Xq27.2.
Variant type: single nucleotide variant.
Coding change: c.767C>G on transcript NM_005462.5 (MANE Select); coding-DNA position 767, C replaced by G.
Protein change: p.Thr256Ser; replaces threonine 256 with serine.
Molecular consequence: missense variant.
Genome position (GRCh38, 1-based): chrX:141,906,171, C>G. VCF-style: chrX-141906171-C-G. GRCh37 (hg19) VCF-style: chrX-140993957-C-G.
Other names: short protein forms T256S.
Identifiers: ClinVar variation 2661560 (VCV002661560.24), dbSNP rs139312704, ClinGen allele CA336135838.